The following is an entry in ClinVar:

NM_000179.3(MSH6):c.264T>A (p.Cys88Ter)

Gene: MSH6 (mutS homolog 6; plus strand). Cytogenetic location: 2p16.3.
Variant type: single nucleotide variant.
Coding change: c.264T>A on transcript NM_000179.3 (MANE Select); coding-DNA position 264, T replaced by A.
Protein change: p.Cys88Ter; replaces cysteine 88 with a stop codon.
Molecular consequence: nonsense. On other transcripts: 5 prime UTR variant (2), intron variant (1).
Genome position (GRCh38, 1-based): chr2:47,790,930, T>A. VCF-style: chr2-47790930-T-A. GRCh37 (hg19) VCF-style: chr2-48018069-T-A.
Other names: c.-473T>A (NM_001281493.2); c.-639T>A (NM_001281494.2); c.237+7460T>A (NM_001281492.2); short protein forms C88*.
Identifiers: ClinVar variation 1072329 (VCV001072329.7), dbSNP rs2104098243, ClinGen allele CA346736445.

ClinVar aggregate classification (germline): Pathogenic (1 of 4 stars; one submission).

Conditions:
Hereditary nonpolyposis colorectal neoplasms. Identifiers: MedGen C0009405, MeSH D003123.

Submission:

Labcorp Genetics (formerly Invitae), Labcorp
Classification: Pathogenic for Hereditary nonpolyposis colorectal neoplasms. Last evaluated: 2020-11-27. Review status: criteria provided, single submitter. Criteria: Invitae Variant Classification Sherloc (09022015). Collection method: clinical testing. Allele origin: germline.
Comment: This sequence change creates a premature translational stop signal (p.Cys88*) in the MSH6 gene. It is expected to result in an absent or disrupted protein product. Loss-of-function variants in MSH6 are known to be pathogenic (PMID: 18269114, 24362816). This variant is not present in population databases (ExAC no frequency). This variant has not been reported in the literature in individuals with MSH6-related conditions. For these reasons, this variant has been classified as Pathogenic.

Literature cited by the submitters: PubMed 18269114; PubMed 24362816.